The following is an entry in ClinVar:

ClinVar aggregate classification (germline): Benign/Likely benign. Review status: criteria provided, multiple submitters, no conflicts (2 of 4 stars). 4 submissions from 4 submitters: Benign (1); Likely benign (3). Last evaluated 2025-08-06.

Conditions:
Hereditary cancer-predisposing syndrome. Also called: Tumor predisposition; Hereditary Cancer Syndrome; Hereditary neoplastic syndrome; Neoplastic Syndromes, Hereditary. Identifiers: Orphanet 140162, MedGen C0027672, MeSH D009386, MONDO:0015356.
Hereditary diffuse gastric adenocarcinoma (HDGC). Also called: DIFFUSE GASTRIC AND LOBULAR BREAST CANCER SYNDROME. Identifiers: Orphanet 26106, MedGen C1708349, MONDO:0007648, OMIM 137215.

Allele frequency attached by ClinVar (database versions not stated): TOPMed 0.00002.
gnomAD v4.1: 7 of 1,548,688 alleles (0.00045%); highest among the groups gnomAD compares: East Asian, 0.0024%; no homozygotes.

Submissions (4):

Labcorp Genetics (formerly Invitae), Labcorp
Classification: Likely benign for Hereditary diffuse gastric adenocarcinoma. Last evaluated: 2025-08-06. Review status: criteria provided, single submitter. Criteria: Invitae Variant Classification Sherloc (09022015). Collection method: clinical testing. Allele origin: germline.

Myriad Genetics, Inc.
Classification: Benign for Hereditary diffuse gastric adenocarcinoma. Last evaluated: 2024-09-11. Review status: criteria provided, single submitter. Criteria: Myriad Autosomal Dominant, Autosomal Recessive and X-Linked Classification Criteria (2023). Collection method: clinical testing. Allele origin: unknown.
Comment: This variant is considered benign. This variant is a silent/synonymous amino acid change and it is not expected to impact splicing.

Color Diagnostics, LLC DBA Color Health
Classification: Likely benign for Hereditary cancer-predisposing syndrome. Last evaluated: 2017-08-20. Review status: criteria provided, single submitter. Criteria: ACMG Guidelines, 2015. Collection method: clinical testing. Allele origin: germline.

Ambry Genetics
Classification: Likely benign for Hereditary cancer-predisposing syndrome. Last evaluated: 2016-11-15. Review status: criteria provided, single submitter. Criteria: Ambry Variant Classification Scheme 2023. Collection method: clinical testing. Allele origin: germline.

NM_004360.5(CDH1):c.150C>T (p.Arg50=)

Gene: CDH1 (cadherin 1; plus strand). Cytogenetic location: 16q22.1.
Variant type: single nucleotide variant.
Coding change: c.150C>T on transcript NM_004360.5 (MANE Select); coding-DNA position 150, C replaced by T.
Protein change: p.Arg50=; no amino-acid change (arginine 50 retained).
Molecular consequence: synonymous variant. On other transcripts: 5 prime UTR variant (2).
Genome position (GRCh38, 1-based): chr16:68,738,398, C>T. VCF-style: chr16-68738398-C-T. GRCh37 (hg19) VCF-style: chr16-68772301-C-T.
Other names: c.150C>T (LRG_301t1); c.150C>T, p.Arg50= (NM_001317184.2); c.-1466C>T (NM_001317185.2); c.-1670C>T (NM_001317186.2).
Identifiers: ClinVar variation 184072 (VCV000184072.18), dbSNP rs786201262, ClinGen allele CA187698.